The following is an entry in ClinVar:

NM_000159.4(GCDH):c.1220T>C (p.Leu407Pro)

Gene: GCDH (glutaryl-CoA dehydrogenase; plus strand). Cytogenetic location: 19p13.13.
Variant type: single nucleotide variant.
Coding change: c.1220T>C on transcript NM_000159.4 (MANE Select); coding-DNA position 1220, T replaced by C.
Protein change: p.Leu407Pro; replaces leucine 407 with proline.
Molecular consequence: missense variant. On other transcripts: non-coding transcript variant (2).
Genome position (GRCh38, 1-based): chr19:12,897,840, T>C. VCF-style: chr19-12897840-T-C. GRCh37 (hg19) VCF-style: chr19-13008654-T-C.
Other names: c.1220T>C, p.Leu407Pro (NM_013976.5); short protein forms L407P.
Identifiers: ClinVar variation 552172 (VCV000552172.5), dbSNP rs1555751379, ClinGen allele CA404321824.

ClinVar aggregate classification (germline): Likely pathogenic. Review status: criteria provided, multiple submitters, no conflicts (2 of 4 stars). 3 submissions from 3 submitters: Likely pathogenic (2). 1 of the submissions does not count toward it. Last evaluated 2025-10-09.

Conditions:
Glutaric aciduria, type 1. Also called: Glutaryl-CoA dehydrogenase deficiency; Glutaricacidemia Type 1; Glutaricaciduria, type I; Glutaric Acidemia Type 1; GA I; Glutaric acidemia type I. Identifiers: Orphanet 25, MedGen C0268595, MONDO:0009281, OMIM 231670.

Submissions (3):

Myriad Genetics, Inc.
Classification: Likely pathogenic for Glutaric aciduria, type 1. Last evaluated: 2025-10-09. Review status: criteria provided, single submitter. Criteria: Myriad Autosomal Dominant, Autosomal Recessive and X-Linked Classification Criteria (2023). Collection method: clinical testing. Allele origin: unknown.
Comment: NM_000159.2(GCDH):c.1220T>C(L407P) is a missense variant classified as likely pathogenic in the context of glutaric acidemia, GCDH-related. L407P has been observed in cases with relevant disease (PMID: 10699052, 29665094). Relevant functional assessments of this variant are available in the literature (Engels_2021_(dissertation)). Internal structural analysis of the variant is supportive of pathogenicity. L407P has not been observed in referenced population frequency databases. In summary, NM_000159.2(GCDH):c.1220T>C(L407P) is a missense variant that has both functional and internal structural support for pathogenicity and has been observed more frequently in cases with the relevant disease than in healthy populations. Please note: this variant was assessed in the context of healthy population screening.

NxGen MDx
Classification: Likely pathogenic for Glutaric aciduria, type 1. Last evaluated: 2021-04-08. Review status: criteria provided, single submitter. Criteria: ACMG Guidelines, 2015. Collection method: clinical testing. Allele origin: unknown.
Comment: This missense variant (c.1220T>C) is in a hotspot (PM1) on exon 11 of 12 in GCDH results in p.Leu407Pro. This variant is not found in gnomAD population databases (PM2) and numerous computational models predict pathogenicity for this variant (PP3). Uniprot classifies this variant as pathogenic (PP5). It was first reported by Goodman et al. PMID: 9711871 in glutaric acidemia patient cohort with no genotype information, and an additional homozygote case is reported by Zschocke et al (PMID 10699052). We interpret c.1220T>C to be likely pathogenic.

Counsyl
Classification: Uncertain significance for Glutaric aciduria, type 1. Last evaluated: 2017-05-24. Review status: no assertion criteria provided. Collection method: clinical testing. Allele origin: unknown. Not counted in ClinVar's aggregate classification.

Literature cited by the submitters: PubMed 10699052 (cited by Myriad Genetics, Inc. and NxGen MDx); PubMed 29665094 (cited by Myriad Genetics, Inc.); PubMed 9711871 (cited by NxGen MDx); PubMed 15505393 (cited by Counsyl).